The following is an entry in ClinVar:

NM_000204.5(CFI):c.1700A>T (p.Asp567Val)

Gene: CFI (complement factor I; minus strand). Cytogenetic location: 4q25.
Variant type: single nucleotide variant.
Coding change: c.1700A>T on transcript NM_000204.5 (MANE Select); coding-DNA position 1700, A replaced by T.
Protein change: p.Asp567Val; replaces aspartic acid 567 with valine.
Molecular consequence: missense variant. On other transcripts: non-coding transcript variant (3), intron variant (5).
Genome position (GRCh38, 1-based): chr4:109,740,945, T>A on the plus strand (A>T on the coding strand, the complement: CFI is on the minus strand). VCF-style: chr4-109740945-T-A. GRCh37 (hg19) VCF-style: chr4-110662101-T-A.
Other names: c.1724A>T, p.Asp575Val (NM_001318057.2); c.1679A>T, p.Asp560Val (NM_001331035.2); c.1643A>T, p.Asp548Val (NM_001375283.1); c.1091A>T, p.Asp364Val (NM_001375284.1); c.1513+1546A>T (NM_001375282.1, NM_001375280.1); c.1534+1546A>T (NM_001375281.1, NM_001375279.1); c.1558+1546A>T (NM_001375278.1); short protein forms D548V, D364V, D575V, D567V, D560V.
Identifiers: ClinVar variation 2968948 (VCV002968948.3), dbSNP rs750212263, ClinGen allele CA3041837.

ClinVar aggregate classification (germline): Uncertain significance (1 of 4 stars; one submission).

Allele frequency attached by ClinVar (database versions not stated): gnomAD exomes 0.00001; ExAC 0.00001.
gnomAD v4.1: 5 of 1,614,146 alleles (0.00031%); highest among the groups gnomAD compares: Admixed American, 0.0083%; no homozygotes.

Submission:

Labcorp Genetics (formerly Invitae), Labcorp
Classification: Uncertain significance. Last evaluated: 2026-01-18. Review status: criteria provided, single submitter. Criteria: Invitae Variant Classification Sherloc (09022015). Collection method: clinical testing. Allele origin: germline.
Comment: This sequence change replaces aspartic acid, which is acidic and polar, with valine, which is neutral and non-polar, at codon 567 of the CFI protein (p.Asp567Val). This variant is present in population databases (rs750212263, gnomAD 0.01%). This variant has not been reported in the literature in individuals affected with CFI-related conditions. ClinVar contains an entry for this variant (Variation ID: 2968948). Invitae Evidence Modeling of protein sequence and biophysical properties (such as structural, functional, and spatial information, amino acid conservation, physicochemical variation, residue mobility, and thermodynamic stability) indicates that this missense variant is expected to disrupt CFI protein function with a positive predictive value of 80%. In summary, the available evidence is currently insufficient to determine the role of this variant in disease. Therefore, it has been classified as a Variant of Uncertain Significance.